The following is an entry in ClinVar:

NM_001366145.2(TRPM3):c.3293C>T (p.Ala1098Val)

Gene: TRPM3 (transient receptor potential cation channel subfamily M member 3; minus strand). Cytogenetic location: 9q21.12.
Variant type: single nucleotide variant.
Coding change: c.3293C>T on transcript NM_001366145.2 (MANE Select); coding-DNA position 3293, C replaced by T.
Protein change: p.Ala1098Val; replaces alanine 1098 with valine.
Molecular consequence: missense variant.
Genome position (GRCh38, 1-based): chr9:70,553,241, G>A on the plus strand (C>T on the coding strand, the complement: TRPM3 is on the minus strand). VCF-style: chr9-70553241-G-A. GRCh37 (hg19) VCF-style: chr9-73168157-G-A.
Other names: c.2834C>T, p.Ala945Val (NM_001366154.2, NM_024971.7); c.2798C>T, p.Ala933Val (NM_020952.6); c.2768C>T, p.Ala923Val (NM_206944.5); c.2804C>T, p.Ala935Val (NM_206945.5); c.2873C>T, p.Ala958Val (NM_206946.5); c.2843C>T, p.Ala948Val (NM_206947.5); c.3257C>T, p.Ala1086Val (NM_001007471.4, NM_001366151.2); c.3263C>T, p.Ala1088Val (NM_001366141.2, NM_001366143.2, NM_001366149.2); and 5 more; short protein forms A1076V, A1086V, A1088V, A1098V, A1100V, A1113V, A1123V, A923V.
Identifiers: ClinVar variation 4291815 (VCV004291815.1).

ClinVar aggregate classification (germline): Uncertain significance (1 of 4 stars; one submission).

Conditions:
Neurodevelopmental disorder with hypotonia, dysmorphic facies, and skeletal anomalies, with or without seizures (NEDFSS). Also called: TRPM3-Related Neurodevelopmental Disorder. Identifiers: MedGen C5830244, MONDO:0859365, OMIM 620224.

Submission:

3billion
Classification: Uncertain significance for Neurodevelopmental disorder with hypotonia, dysmorphic facies, and skeletal anomalies, with or without seizures. Last evaluated: 2024-12-18. Review status: criteria provided, single submitter. Criteria: ACMG Guidelines, 2015. Collection method: clinical testing. Allele origin: germline. Affected: yes.
Comment: The variant is not observed in the gnomAD v4.1.0 dataset. Predicted Consequence/Location: Missense variant. Missense changes are a common disease-causing mechanism. In silico tool predictions suggest damaging effect of the variant on gene or gene product [REVEL: 0.73 (>=0.6, sensitivity 0.68 and specificity 0.92)]. Therefore, this variant is classified as VUS according to the recommendation of ACMG/AMP guideline.